The following is an entry in ClinVar:

NM_001077653.2(TBX20):c.778G>T (p.Val260Phe)

Gene: TBX20 (T-box transcription factor 20; minus strand). Cytogenetic location: 7p14.2.
Variant type: single nucleotide variant.
Coding change: c.778G>T on transcript NM_001077653.2 (MANE Select); coding-DNA position 778, G replaced by T.
Protein change: p.Val260Phe; replaces valine 260 with phenylalanine.
Molecular consequence: missense variant.
Genome position (GRCh38, 1-based): chr7:35,240,914, C>A on the plus strand (G>T on the coding strand, the complement: TBX20 is on the minus strand). VCF-style: chr7-35240914-C-A. GRCh37 (hg19) VCF-style: chr7-35280526-C-A.
Other names: c.778G>T, p.Val260Phe (NM_001166220.1); short protein forms V260F.
Identifiers: ClinVar variation 2696139 (VCV002696139.4), dbSNP rs1790064442, ClinGen allele CA367263955.

ClinVar aggregate classification (germline): Uncertain significance. Review status: criteria provided, multiple submitters, no conflicts (2 of 4 stars). 2 submissions from 2 submitters: Uncertain significance (2). Last evaluated 2025-07-13.

Conditions:
Cardiovascular phenotype. Identifiers: MedGen CN230736.

Submissions (2):

Ambry Genetics
Classification: Uncertain significance for Cardiovascular phenotype. Last evaluated: 2025-07-13. Review status: criteria provided, single submitter. Criteria: Ambry Variant Classification Scheme 2023. Collection method: clinical testing. Allele origin: germline.
Comment: The p.V260F variant (also known as c.778G>T), located in coding exon 5 of the TBX20 gene, results from a G to T substitution at nucleotide position 778. The valine at codon 260 is replaced by phenylalanine, an amino acid with highly similar properties. This amino acid position is conserved. In addition, this alteration is predicted to be deleterious by in silico analysis. Based on the available evidence, the clinical significance of this variant remains unclear.

Labcorp Genetics (formerly Invitae), Labcorp
Classification: Uncertain significance. Last evaluated: 2023-11-24. Review status: criteria provided, single submitter. Criteria: Invitae Variant Classification Sherloc (09022015). Collection method: clinical testing. Allele origin: germline.
Comment: This sequence change replaces valine, which is neutral and non-polar, with phenylalanine, which is neutral and non-polar, at codon 260 of the TBX20 protein (p.Val260Phe). This variant is not present in population databases (gnomAD no frequency). This variant has not been reported in the literature in individuals affected with TBX20-related conditions. Advanced modeling of protein sequence and biophysical properties (such as structural, functional, and spatial information, amino acid conservation, physicochemical variation, residue mobility, and thermodynamic stability) performed at Invitae indicates that this missense variant is expected to disrupt TBX20 protein function with a positive predictive value of 80%. In summary, the available evidence is currently insufficient to determine the role of this variant in disease. Therefore, it has been classified as a Variant of Uncertain Significance.